The following is an entry in ClinVar:

ClinVar aggregate classification (germline): Likely benign (1 of 4 stars; one submission).

Submission:

GeneDx
Classification: Likely benign. Last evaluated: 2019-08-24. Review status: criteria provided, single submitter. Criteria: GeneDx Variant Classification Process June 2021. Collection method: clinical testing. Allele origin: germline. Affected: yes.
Comment: See Variant Classification Assertion Criteria.

NM_001369369.1(FOXN1):c.-14-163TC[22]

Gene: FOXN1 (forkhead box N1; plus strand). Cytogenetic location: 17q11.2.
Variant type: Microsatellite.
Coding change: c.-14-163TC[22] on transcript NM_001369369.1 (MANE Select); 22 copies in a row of the 2-base unit TC starting at c.-14-163; the reference has 20 copies in a row; two copies, 4 bases duplicated.
Molecular consequence: intron variant.
Genome position (GRCh38, 1-based): chr17:28,523,829-28,523,832, TCTC duplicated; duplicating any 4 consecutive bases within chr17:28,523,793-28,523,832 gives the same sequence; the position shown is the placement nearest the transcript's 3' end. VCF-style (leftmost placement, unchanged base first): chr17-28523792-T-TTCTC. GRCh37 (hg19) VCF-style: chr17-26850810-T-TTCTC.
Identifiers: ClinVar variation 1706676 (VCV001706676.2), dbSNP rs10527420, ClinGen allele CA625391295.